The following is an entry in ClinVar:

ClinVar aggregate classification (germline): Uncertain significance. Review status: criteria provided, multiple submitters, no conflicts (2 of 4 stars). 2 submissions from 2 submitters: Uncertain significance (2). Last evaluated 2025-01-11.

Conditions:
Inborn genetic diseases. Identifiers: MedGen C0950123, MeSH D030342.
KBG syndrome (KBGS). Also called: ANKRD11-Related KBG Syndrome. Identifiers: Orphanet 2332, MedGen C0220687, MONDO:0007846, OMIM 148050.

Allele frequency attached by ClinVar (database versions not stated): TOPMed 0.00001; ExAC 0.00002; gnomAD exomes 0.00003.
gnomAD v4.1: 16 of 1,612,996 alleles (0.00099%); highest among the groups gnomAD compares: East Asian, 0.036%; no homozygotes.

Submissions (2):

Labcorp Genetics (formerly Invitae), Labcorp
Classification: Uncertain significance for KBG syndrome. Last evaluated: 2025-01-11. Review status: criteria provided, single submitter. Criteria: Invitae Variant Classification Sherloc (09022015). Collection method: clinical testing. Allele origin: germline.
Comment: This sequence change replaces proline, which is neutral and non-polar, with alanine, which is neutral and non-polar, at codon 2163 of the ANKRD11 protein (p.Pro2163Ala). This variant is present in population databases (rs764137649, gnomAD 0.02%). This variant has not been reported in the literature in individuals affected with ANKRD11-related conditions. ClinVar contains an entry for this variant (Variation ID: 2979034). Invitae Evidence Modeling of protein sequence and biophysical properties (such as structural, functional, and spatial information, amino acid conservation, physicochemical variation, residue mobility, and thermodynamic stability) indicates that this missense variant is not expected to disrupt ANKRD11 protein function with a negative predictive value of 95%. In summary, the available evidence is currently insufficient to determine the role of this variant in disease. Therefore, it has been classified as a Variant of Uncertain Significance.

Ambry Genetics
Classification: Uncertain significance for Inborn genetic diseases. Last evaluated: 2024-02-27. Review status: criteria provided, single submitter. Criteria: Ambry Variant Classification Scheme 2023. Collection method: clinical testing. Allele origin: germline.

NM_013275.6(ANKRD11):c.6487C>G (p.Pro2163Ala)

Gene: ANKRD11 (ankyrin repeat domain 11; minus strand). Cytogenetic location: 16q24.3.
Variant type: single nucleotide variant.
Coding change: c.6487C>G on transcript NM_013275.6 (MANE Select); coding-DNA position 6487, C replaced by G.
Protein change: p.Pro2163Ala; replaces proline 2163 with alanine.
Molecular consequence: missense variant.
Genome position (GRCh38, 1-based): chr16:89,280,055, G>C on the plus strand (C>G on the coding strand, the complement: ANKRD11 is on the minus strand). VCF-style: chr16-89280055-G-C. GRCh37 (hg19) VCF-style: chr16-89346463-G-C.
Other names: c.6487C>G (NM_013275.4); c.6487C>G, p.Pro2163Ala (NM_001256182.2, NM_001256183.2); short protein forms P2163A.
Identifiers: ClinVar variation 2979034 (VCV002979034.4), dbSNP rs764137649, ClinGen allele CA8241430.
Genomic context (GRCh38, chr16:89,280,055, plus strand): 5'-CTACGGTGGAAACATCCCCACCGTTTATGACCCCGGGGGCCCCTGGAGGCATCTCTTCTG[G>C]AGGAGCAAGACTTTCTTCCACGGGTTCCGCTTCACCATCTGCGGCATCTTTAGTCTGCAG-3'
Protein context (NP_037407.4, residues 2153-2173): AEPVEESLAP[Pro2163Ala]EEMPPGAPGV